The following is an entry in ClinVar:

ClinVar aggregate classification (germline): Uncertain significance (1 of 4 stars; one submission).

Conditions:
Rhabdoid tumor predisposition syndrome 2 (RTPS2). Identifiers: Orphanet 231108, Orphanet 69077, MedGen C2750074, MONDO:0013224, OMIM 613325.

Submission:

Labcorp Genetics (formerly Invitae), Labcorp
Classification: Uncertain significance for Rhabdoid tumor predisposition syndrome 2. Last evaluated: 2024-03-10. Review status: criteria provided, single submitter. Criteria: Invitae Variant Classification Sherloc (09022015). Collection method: clinical testing. Allele origin: germline.
Comment: This sequence change replaces proline, which is neutral and non-polar, with threonine, which is neutral and polar, at codon 247 of the SMARCA4 protein (p.Pro247Thr). This variant is not present in population databases (gnomAD no frequency). This variant has not been reported in the literature in individuals affected with SMARCA4-related conditions. Advanced modeling of protein sequence and biophysical properties (such as structural, functional, and spatial information, amino acid conservation, physicochemical variation, residue mobility, and thermodynamic stability) performed at Invitae indicates that this missense variant is not expected to disrupt SMARCA4 protein function with a negative predictive value of 95%. In summary, the available evidence is currently insufficient to determine the role of this variant in disease. Therefore, it has been classified as a Variant of Uncertain Significance.

NM_003072.5(SMARCA4):c.739C>A (p.Pro247Thr)

Gene: SMARCA4 (SWI/SNF related BAF chromatin remodeling complex subunit ATPase 4; plus strand). Cytogenetic location: 19p13.2.
Variant type: single nucleotide variant.
Coding change: c.739C>A on transcript NM_003072.5 (MANE Select); coding-DNA position 739, C replaced by A.
Protein change: p.Pro247Thr; replaces proline 247 with threonine.
Molecular consequence: missense variant. On other transcripts: non-coding transcript variant (1).
Genome position (GRCh38, 1-based): chr19:10,986,572, C>A. VCF-style: chr19-10986572-C-A. GRCh37 (hg19) VCF-style: chr19-11097248-C-A.
Other names: c.739C>A, p.Pro247Thr (NM_001128844.3, NM_001128845.2, NM_001128846.2 and 6 more transcripts); short protein forms P247T.
Identifiers: ClinVar variation 3636837 (VCV003636837.2).